The following is an entry in ClinVar:

ClinVar aggregate classification (germline): Uncertain significance (1 of 4 stars; one submission).

Conditions:
Combined oxidative phosphorylation defect type 27. Also called: Combined oxidative phosphorylation deficiency 27. Identifiers: Orphanet 477774, MedGen C5567608, MONDO:0014728, OMIM 616672.

Allele frequency attached by ClinVar (database versions not stated): TOPMed 0.00001.

Submission:

Labcorp Genetics (formerly Invitae), Labcorp
Classification: Uncertain significance for Combined oxidative phosphorylation defect type 27. Last evaluated: 2020-07-25. Review status: criteria provided, single submitter. Criteria: Invitae Variant Classification Sherloc (09022015). Collection method: clinical testing. Allele origin: germline.
Comment: Algorithms developed to predict the effect of missense changes on protein structure and function are either unavailable or do not agree on the potential impact of this missense change (SIFT: "Deleterious"; PolyPhen-2: "Probably Damaging"; Align-GVGD: "Class C0"). This variant has not been reported in the literature in individuals with CARS2-related conditions. This variant is not present in population databases (ExAC no frequency). This sequence change replaces arginine with cysteine at codon 224 of the CARS2 protein (p.Arg224Cys). The arginine residue is moderately conserved and there is a large physicochemical difference between arginine and cysteine. In summary, the available evidence is currently insufficient to determine the role of this variant in disease. Therefore, it has been classified as a Variant of Uncertain Significance.

NM_024537.4(CARS2):c.670C>T (p.Arg224Cys)

Gene: CARS2 (cysteinyl-tRNA synthetase 2, mitochondrial; minus strand). Cytogenetic location: 13q34.
Variant type: single nucleotide variant.
Coding change: c.670C>T on transcript NM_024537.4 (MANE Select); coding-DNA position 670, C replaced by T.
Protein change: p.Arg224Cys; replaces arginine 224 with cysteine.
Molecular consequence: missense variant. On other transcripts: 5 prime UTR variant (1), non-coding transcript variant (2).
Genome position (GRCh38, 1-based): chr13:110,677,089, G>A on the plus strand (C>T on the coding strand, the complement: CARS2 is on the minus strand). VCF-style: chr13-110677089-G-A. GRCh37 (hg19) VCF-style: chr13-111329436-G-A.
Other names: c.-117C>T (NM_001352252.2); c.670C>T, p.Arg224Cys (NM_001352253.3); short protein forms R224C.
Identifiers: ClinVar variation 1051275 (VCV001051275.9), dbSNP rs1323009856, ClinGen allele CA388735432.